The following is an entry in ClinVar:

NM_000540.3(RYR1):c.12115A>T (p.Ile4039Phe)

Gene: RYR1 (ryanodine receptor 1; plus strand). Cytogenetic location: 19q13.2.
Variant type: single nucleotide variant.
Coding change: c.12115A>T on transcript NM_000540.3 (MANE Select); coding-DNA position 12115, A replaced by T.
Protein change: p.Ile4039Phe; replaces isoleucine 4039 with phenylalanine.
Molecular consequence: missense variant.
Genome position (GRCh38, 1-based): chr19:38,548,253, A>T. VCF-style: chr19-38548253-A-T. GRCh37 (hg19) VCF-style: chr19-39038893-A-T.
Other names: c.12100A>T, p.Ile4034Phe (NM_001042723.2); short protein forms I4034F, I4039F.
Identifiers: ClinVar variation 1210313 (VCV001210313.3), dbSNP rs2145790232, ClinGen allele CA405665125.

ClinVar aggregate classification (germline): Uncertain significance (3 of 4 stars; one submission).

Conditions:
Malignant hyperthermia, susceptibility to, 1 (MHS1). Also called: RYR1-Related Malignant Hyperthermia Susceptibility; Anesthesia related hyperthermia; Malignant hyperpyrexia; Fulminating hyperpyrexia; Pharmacogenic myopathy; Malignant hyperthermia suceptibility 1. Identifiers: Orphanet 423, MedGen C2930980, MONDO:0007783, OMIM 145600.

Submission:

ClinGen Malignant Hyperthermia Susceptibility Variant Curation Expert Panel, ClinGen
Classification: Uncertain significance for Malignant hyperthermia, susceptibility to, 1. Last evaluated: 2025-08-01. Review status: reviewed by expert panel. Criteria: ClinGen MHS ACMG Specifications V2. Collection method: curation. Allele origin: germline. Inheritance: Autosomal dominant inheritance.
Comment: This pathogenicity assessment is relevant only for malignant hyperthermia susceptibility (MHS) inherited in an autosomal dominant pattern. Variants in RYR1 can also cause other myopathies inherited in an autosomal dominant pattern or in an autosomal recessive pattern. Some of these disorders may predispose individuals to malignant hyperthermia. RYR1 variants may also contribute to a malignant hyperthermia reaction in combination with other genetic and non-genetic factors and the clinician needs to consider such factors in making management decisions. This sequence variant predicts a substitution of isoleucine with phenylalanine at codon 4039 of the RYR1 protein, p.(Ile4039Phe). This variant was not present in a large population database (gnomAD) at the time this variant was interpreted. This variant has been reported in an individual with a personal or family history of an MH episode and a positive in vitro contracture test (IVCT) or caffeine halothane contracture test (CHCT) result (if the proband was unavailable for testing, a positive diagnostic test result in a mutation-positive relative was counted), PS4_Supporting (PMID:30236257). No functional studies were identified for this variant. This variant does not reside in a hotspot for pathogenic variants that contribute to MHS. A REVEL score of 0.621 supports neither a pathogenic nor a benign status for this variant. This variant has been classified as a Variant of Unknown Significance. Criteria implemented: PS4_Supporting.